The following continues an entry in ClinVar:

NM_001370658.1(BTD):c.1308A>C (p.Gln436His)

Gene: BTD. ClinVar aggregate classification (germline): Pathogenic/Likely pathogenic. Pathogenic (28); Likely pathogenic (3).

Submissions 31 to 37 of 37:

Kariminejad - Najmabadi Pathology & Genetics Center
Classification: Pathogenic for Biotinidase deficiency. Review status: criteria provided, single submitter. Criteria: ACMG Guidelines, 2015. Collection method: clinical testing. Allele origin: germline. Affected: no.

Centre de Biologie Pathologie Génétique, Centre Hospitalier Universitaire de Lille
Classification: Likely benign for Intellectual disability. Last evaluated: 2019-01-01. Review status: no assertion criteria provided. Collection method: clinical testing. Allele origin: inherited. Affected: yes. Not counted in ClinVar's aggregate classification.

Division of Human Genetics, Children's Hospital of Philadelphia
Classification: Pathogenic for Biotinidase deficiency. Last evaluated: 2015-05-07. Review status: no assertion criteria provided. Collection method: research. Allele origin: germline. Affected: no. Study: CSER-PediSeq. Not counted in ClinVar's aggregate classification.
Comment: This BTD variant (c.1374A>C) was identified in several patients in both the homozygous and compound heterozygous state, and is one of the most common pathogenic mutations identified in this gene through newborn screening programs in populations of northern European ancestry (Norrgard et al. 1997, PMID 9232193; Wolf et al. 1997, PMID: 9375914; Norrgard et al. 1999, PMID: 10400129; Pomponio et al. 2000, PMID: 10801053). Biochemical analyses of patients with this mutation have supported the role this mutation plays in causing biotinidase deficiency.

OMIM
Classification: Pathogenic for BIOTINIDASE DEFICIENCY. Last evaluated: 2000-03-01. Review status: no assertion criteria provided. Collection method: literature only. Allele origin: germline. Not counted in ClinVar's aggregate classification.

Clinical Genetics DNA and cytogenetics Diagnostics Lab, Erasmus MC, Erasmus Medical Center
Classification: Pathogenic. Review status: no assertion criteria provided. Collection method: clinical testing. Allele origin: germline. Affected: yes. Study: VKGL Data-share Consensus. Not counted in ClinVar's aggregate classification.

GeneReviews
No classification provided. Condition: Biotinidase deficiency. Review status: no classification provided. Collection method: literature only. Allele origin: unknown. Not counted in ClinVar's aggregate classification.

Genome Diagnostics Laboratory, University Medical Center Utrecht
Classification: Pathogenic. Review status: no assertion criteria provided. Collection method: clinical testing. Allele origin: germline. Affected: yes. Study: VKGL Data-share Consensus. Not counted in ClinVar's aggregate classification.

Literature cited by the submitters: PubMed 10400129 (cited by 6 submitters); PubMed 10801053 (cited by 7 submitters); PubMed 11313766 (cited by 3 submitters); PubMed 24797656 (cited by Labcorp Genetics (formerly Invitae), Labcorp); PubMed 25423671 (cited by Labcorp Genetics (formerly Invitae), Labcorp and Quest Diagnostics Nichols Institute San Juan Capistrano); PubMed 26810761 (cited by Labcorp Genetics (formerly Invitae), Labcorp and Quest Diagnostics Nichols Institute San Juan Capistrano); PubMed 27329734 (cited by Labcorp Genetics (formerly Invitae), Labcorp and Quest Diagnostics Nichols Institute San Juan Capistrano); PubMed 27657684 (cited by 4 submitters); PubMed 9232193 (cited by 8 submitters); PubMed 1313766 (cited by Natera, Inc.); PubMed 11668630 (cited by Quest Diagnostics Nichols Institute San Juan Capistrano); PubMed 17185019 (cited by Quest Diagnostics Nichols Institute San Juan Capistrano and Myriad Genetics, Inc.); PubMed 9654207 (cited by Quest Diagnostics Nichols Institute San Juan Capistrano); PubMed 29359854 (cited by Quest Diagnostics Nichols Institute San Juan Capistrano and Women's Health and Genetics/Laboratory Corporation of America, LabCorp); PubMed 20224900 (cited by Quest Diagnostics Nichols Institute San Juan Capistrano and Myriad Genetics, Inc.); PubMed 22698809 (cited by Quest Diagnostics Nichols Institute San Juan Capistrano and Myriad Genetics, Inc.); PubMed 23644139 (cited by 4 submitters); PubMed 33312878 (cited by Quest Diagnostics Nichols Institute San Juan Capistrano and Ambry Genetics); PubMed 25754625 (cited by Quest Diagnostics Nichols Institute San Juan Capistrano); PubMed 26361991 (cited by Quest Diagnostics Nichols Institute San Juan Capistrano and Myriad Genetics, Inc.); PubMed 28498829 (cited by Quest Diagnostics Nichols Institute San Juan Capistrano and Illumina Laboratory Services, Illumina); PubMed 28971021 (cited by Quest Diagnostics Nichols Institute San Juan Capistrano); PubMed 20301497 (cited by 3 submitters); PubMed 9375914 (cited by 5 submitters); PubMed 12618081 (cited by Ambry Genetics); PubMed 14628140 (cited by Ambry Genetics); NCBI Bookshelf NBK1322 (cited by GeneReviews).